The following is an entry in ClinVar:

ClinVar aggregate classification (germline): Uncertain significance (1 of 4 stars; one submission).

Conditions:
Fanconi anemia (FA). Also called: Fanconi's anemia. Identifiers: Orphanet 84, MedGen C0015625, MeSH D005199, MONDO:0019391.

gnomAD v4.1: 5 of 1,614,046 alleles (0.00031%); highest among the groups gnomAD compares: African/African-American, 0.0013%; no homozygotes.

Submission:

Labcorp Genetics (formerly Invitae), Labcorp
Classification: Uncertain significance for Fanconi anemia. Last evaluated: 2025-05-07. Review status: criteria provided, single submitter. Criteria: Invitae Variant Classification Sherloc (09022015). Collection method: clinical testing. Allele origin: germline.
Comment: This sequence change replaces leucine, which is neutral and non-polar, with valine, which is neutral and non-polar, at codon 112 of the FANCA protein (p.Leu112Val). This variant is not present in population databases (gnomAD no frequency). This variant has not been reported in the literature in individuals affected with FANCA-related conditions. Invitae Evidence Modeling of protein sequence and biophysical properties (such as structural, functional, and spatial information, amino acid conservation, physicochemical variation, residue mobility, and thermodynamic stability) has been performed for this missense variant. However, the output from this modeling did not meet the statistical confidence thresholds required to predict the impact of this variant on FANCA protein function. In summary, the available evidence is currently insufficient to determine the role of this variant in disease. Therefore, it has been classified as a Variant of Uncertain Significance.

NM_000135.4(FANCA):c.334C>G (p.Leu112Val)

Gene: FANCA (FA complementation group A; minus strand). Cytogenetic location: 16q24.3.
Variant type: single nucleotide variant.
Coding change: c.334C>G on transcript NM_000135.4 (MANE Select); coding-DNA position 334, C replaced by G.
Protein change: p.Leu112Val; replaces leucine 112 with valine.
Molecular consequence: missense variant.
Genome position (GRCh38, 1-based): chr16:89,811,021, G>C on the plus strand (C>G on the coding strand, the complement: FANCA is on the minus strand). VCF-style: chr16-89811021-G-C. GRCh37 (hg19) VCF-style: chr16-89877429-G-C.
Other names: c.334C>G, p.Leu112Val (NM_001018112.3, NM_001286167.3, NM_001351830.2); short protein forms L112V.
Identifiers: ClinVar variation 4737814 (VCV004737814.1).